The following is an entry in ClinVar:

NM_000638.4(VTN):c.507C>T (p.Asn169=)

Gene: VTN (vitronectin; minus strand). Cytogenetic location: 17q11.2.
Variant type: single nucleotide variant.
Coding change: c.507C>T on transcript NM_000638.4 (MANE Select); coding-DNA position 507, C replaced by T.
Protein change: p.Asn169=; no amino-acid change (asparagine 169 retained).
Molecular consequence: synonymous variant.
Genome position (GRCh38, 1-based): chr17:28,369,529, G>A on the plus strand (C>T on the coding strand, the complement: VTN is on the minus strand). VCF-style: chr17-28369529-G-A. GRCh37 (hg19) VCF-style: chr17-26696550-G-A.
Identifiers: ClinVar variation 3056851 (VCV003056851.3), dbSNP rs35339100, ClinGen allele CA8457646.

ClinVar aggregate classification (germline): Likely benign. Review status: criteria provided, single submitter (1 of 4 stars). 2 submissions from 2 submitters: Likely benign (1). 1 of the submissions does not count toward it. Last evaluated 2024-06-05.

Conditions:
VTN-related disorder. Also called: VTN-related condition.

Allele frequency attached by ClinVar (database versions not stated): ExAC 0.00068; gnomAD 0.00213; 1000 Genomes Project 0.00220; ESP Exome Variant Server 0.00231; 1000 Genomes Project 30x 0.00265; TOPMed 0.00266.
gnomAD v4.1: 709 of 1,608,090 alleles (0.044%); highest among the groups gnomAD compares: African/African-American, 0.78%; 2 homozygotes.

Submissions (2):

Blueprint Genetics
Classification: Likely benign. Last evaluated: 2024-06-05. Review status: criteria provided, single submitter. Criteria: ACMG Guidelines, 2015. Collection method: clinical testing. Allele origin: germline.

PreventionGenetics, part of Exact Sciences
Classification: Benign for VTN-related condition. Last evaluated: 2019-11-16. Review status: no assertion criteria provided. Collection method: clinical testing. Allele origin: germline. Not counted in ClinVar's aggregate classification.
Comment: This variant is classified as benign based on ACMG/AMP sequence variant interpretation guidelines (Richards et al. 2015 PMID: 25741868, with internal and published modifications).